The following is an entry in ClinVar:

NM_002335.4(LRP5):c.557G>A (p.Arg186Gln)

Gene: LRP5 (LDL receptor related protein 5; plus strand). Cytogenetic location: 11q13.2.
Variant type: single nucleotide variant.
Coding change: c.557G>A on transcript NM_002335.4 (MANE Select); coding-DNA position 557, G replaced by A.
Protein change: p.Arg186Gln; replaces arginine 186 with glutamine.
Molecular consequence: missense variant. On other transcripts: 5 prime UTR variant (1).
Genome position (GRCh38, 1-based): chr11:68,357,718, G>A. VCF-style: chr11-68357718-G-A. GRCh37 (hg19) VCF-style: chr11-68125186-G-A.
Other names: p.Arg186Gln; c.557G>A (NM_002335.3); c.-1209G>A (NM_001291902.2); short protein forms R186Q.
Identifiers: ClinVar variation 1015094 (VCV001015094.11), dbSNP rs146895334, ClinGen allele CA6149052.

ClinVar aggregate classification (germline): Uncertain significance. Review status: criteria provided, multiple submitters, no conflicts (2 of 4 stars). 6 submissions from 6 submitters: Uncertain significance (6). Last evaluated 2026-06-05.

Conditions:
Osteoporosis with pseudoglioma (OPPG). Also called: osteoporosis-pseudoglioma syndrome. Identifiers: Orphanet 2788, MedGen C0432252, MONDO:0009820, OMIM 259770.
Polycystic liver disease 4 with or without kidney cysts. Identifiers: MedGen C4693479, MONDO:0044327, OMIM 617875.
Autosomal dominant osteopetrosis 1 (OPTA1). Also called: OSTEOPETROSIS, AUTOSOMAL DOMINANT, TYPE I. Identifiers: Orphanet 2783, MedGen C1843330, MONDO:0011877, OMIM 607634.
Exudative vitreoretinopathy 4 (EVR4). Identifiers: Orphanet 891, MedGen C1866176, MONDO:0011151, OMIM 601813.
Worth disease. Also called: Autosomal dominant osteosclerosis, Worth type; ENDOSTEAL HYPEROSTOSIS, AUTOSOMAL DOMINANT; OSTEOSCLEROSIS, AUTOSOMAL DOMINANT. Identifiers: Orphanet 2790, MedGen C0432273, MONDO:0007764, OMIM 144750.
Bone mineral density quantitative trait locus 1 (BMND1). Identifiers: MedGen C1866079, OMIM 601884.
LRP5-related disorder. Also called: LRP5-related condition.

Allele frequency attached by ClinVar (database versions not stated): TOPMed 0.00003; gnomAD exomes 0.00004 and 0.00005; ExAC 0.00006; gnomAD 0.00006; ESP Exome Variant Server 0.00008.
gnomAD v4.1: 76 of 1,614,130 alleles (0.0047%); highest among the groups gnomAD compares: African/African-American, 0.011%; no homozygotes.

Submissions (6):

Women's Health and Genetics/Laboratory Corporation of America, LabCorp
Classification: Uncertain significance. Last evaluated: 2026-06-05. Review status: criteria provided, single submitter. Criteria: LabCorp Variant Classification Summary - May 2015. Collection method: clinical testing. Allele origin: germline.
Comment: Variant summary: LRP5 c.557G>A (p.Arg186Gln) results in a conservative amino acid change in the encoded protein sequence. Algorithms developed to predict the effect of missense changes on protein structure and function are either unavailable or do not agree on the potential impact of this missense change. The variant allele was found at a frequency of 4e-05 in 250932 control chromosomes. This frequency is not significantly higher than estimated for disease-causing variants in LRP5, allowing no conclusion about variant significance. To our knowledge, no occurrence of c.557G>A in individuals affected with LRP5-related conditions has been reported. At least one publication reports experimental evidence evaluating an impact on protein function and found the variant resulted in greater Wnt pathway stimulation compared to wildtype LRP5 in a luciferase reporter assay; however these results, do not allow convincing conclusions about the variant effect (Roca-Ayats_2024). The following publication has been ascertained in the context of this evaluation (PMID: 38802968). ClinVar contains an entry for this variant (Variation ID: 1015094). Based on the evidence outlined above, the variant was classified as uncertain significance.

PreventionGenetics, part of Exact Sciences
Classification: Uncertain significance for LRP5-related condition. Last evaluated: 2025-11-21. Review status: criteria provided, single submitter. Criteria: ACMG Guidelines, 2015. Collection method: clinical testing. Allele origin: germline.
Comment: The LRP5 c.557G>A variant is predicted to result in the amino acid substitution p.Arg186Gln. To our knowledge, this variant has not been reported in individuals with LRP5-related conditions. This variant is reported in 0.016% of alleles in individuals of African descent in gnomAD. At this time, the clinical significance of this variant is uncertain due to the absence of conclusive functional and genetic evidence.

Labcorp Genetics (formerly Invitae), Labcorp
Classification: Uncertain significance. Last evaluated: 2025-08-12. Review status: criteria provided, single submitter. Criteria: Invitae Variant Classification Sherloc (09022015). Collection method: clinical testing. Allele origin: germline.
Comment: This sequence change replaces arginine, which is basic and polar, with glutamine, which is neutral and polar, at codon 186 of the LRP5 protein (p.Arg186Gln). This variant is present in population databases (rs146895334, gnomAD 0.02%). This variant has not been reported in the literature in individuals affected with LRP5-related conditions. ClinVar contains an entry for this variant (Variation ID: 1015094). Invitae Evidence Modeling of protein sequence and biophysical properties (such as structural, functional, and spatial information, amino acid conservation, physicochemical variation, residue mobility, and thermodynamic stability) indicates that this missense variant is expected to disrupt LRP5 protein function with a positive predictive value of 95%. Experimental studies have shown that this missense change affects LRP5 function (PMID: 38802968). In summary, the available evidence is currently insufficient to determine the role of this variant in disease. Therefore, it has been classified as a Variant of Uncertain Significance.

Blueprint Genetics
Classification: Uncertain significance. Last evaluated: 2024-10-14. Review status: criteria provided, single submitter. Criteria: ACMG Guidelines, 2015. Collection method: clinical testing. Allele origin: germline.

Mayo Clinic Laboratories, Mayo Clinic
Classification: Uncertain significance. Last evaluated: 2024-06-20. Review status: criteria provided, single submitter. Criteria: ACMG Guidelines, 2015. Collection method: clinical testing. Allele origin: germline. Observed: 1 variant allele.
Comment: PP3, PS3_supporting

Fulgent Genetics
Classification: Uncertain significance for Worth disease; Osteoporosis with pseudoglioma; Exudative vitreoretinopathy 4; Bone mineral density quantitative trait locus 1; Autosomal dominant osteopetrosis 1; Polycystic liver disease 4 with or without kidney cysts. Last evaluated: 2024-02-14. Review status: criteria provided, single submitter. Criteria: ACMG Guidelines, 2015. Collection method: clinical testing. Allele origin: germline.

Literature cited by the submitters: PubMed 38802968 (cited by 3 submitters).